The following is an entry in ClinVar:

NM_021922.3(FANCE):c.677A>C (p.Glu226Ala)

Gene: FANCE (FA complementation group E; plus strand). Cytogenetic location: 6p21.31.
Variant type: single nucleotide variant.
Coding change: c.677A>C on transcript NM_021922.3 (MANE Select); coding-DNA position 677, A replaced by C.
Protein change: p.Glu226Ala; replaces glutamic acid 226 with alanine.
Molecular consequence: missense variant.
Genome position (GRCh38, 1-based): chr6:35,456,175, A>C. VCF-style: chr6-35456175-A-C. GRCh37 (hg19) VCF-style: chr6-35423952-A-C.
Other names: short protein forms E226A.
Identifiers: ClinVar variation 1485065 (VCV001485065.6), dbSNP rs2150891378, ClinGen allele CA363773561.

ClinVar aggregate classification (germline): Uncertain significance (1 of 4 stars; one submission).

Conditions:
Fanconi anemia complementation group E (FANCE). Also called: FANCE-Related Fanconi Anemia. Identifiers: Orphanet 84, MedGen C3160739, MONDO:0010953, OMIM 600901.

Submission:

Labcorp Genetics (formerly Invitae), Labcorp
Classification: Uncertain significance for Fanconi anemia complementation group E. Last evaluated: 2025-08-07. Review status: criteria provided, single submitter. Criteria: Invitae Variant Classification Sherloc (09022015). Collection method: clinical testing. Allele origin: germline.
Comment: This sequence change replaces glutamic acid, which is acidic and polar, with alanine, which is neutral and non-polar, at codon 226 of the FANCE protein (p.Glu226Ala). This variant is not present in population databases (gnomAD no frequency). This variant has not been reported in the literature in individuals affected with FANCE-related conditions. ClinVar contains an entry for this variant (Variation ID: 1485065). Invitae Evidence Modeling of protein sequence and biophysical properties (such as structural, functional, and spatial information, amino acid conservation, physicochemical variation, residue mobility, and thermodynamic stability) indicates that this missense variant is not expected to disrupt FANCE protein function with a negative predictive value of 80%. In summary, the available evidence is currently insufficient to determine the role of this variant in disease. Therefore, it has been classified as a Variant of Uncertain Significance.